The following is an entry in ClinVar:

ClinVar aggregate classification (germline): Pathogenic/Likely pathogenic. Review status: criteria provided, multiple submitters, no conflicts (2 of 4 stars). 3 submissions from 3 submitters: Pathogenic (2); Likely pathogenic (1). Last evaluated 2025-07-11.

Conditions:
Amyotrophic lateral sclerosis type 5 (ALS5). Also called: AMYOTROPHIC LATERAL SCLEROSIS 5, JUVENILE. Identifiers: Orphanet 300605, MedGen C1865864, MONDO:0011196, OMIM 602099.
Charcot-Marie-Tooth disease axonal type 2X. Also called: CHARCOT-MARIE-TOOTH DISEASE, AXONAL, AUTOSOMAL RECESSIVE, TYPE 2X; CHARCOT-MARIE-TOOTH NEUROPATHY, TYPE 2X. Identifiers: Orphanet 466775, MedGen C5569024, MONDO:0014726, OMIM 616668.
Hereditary spastic paraplegia 11. Also called: Spastic Paraplegia 11; SPASTIC PARAPLEGIA, AUTOSOMAL RECESSIVE, COMPLICATED, WITH THIN CORPUS CALLOSUM; SPASTIC PARAPLEGIA, AUTOSOMAL RECESSIVE, WITH MENTAL IMPAIRMENT AND THIN CORPUS CALLOSUM; Spastic paraplegia, mental retardation and thin corpus callosum; Nakamura Osame syndrome; Autosomal recessive hereditary spastic paraplegia, mental impairment, and thin corpus callosum. Identifiers: Orphanet 2822, MedGen C1858479, MONDO:0011445, OMIM 604360.

Allele frequency attached by ClinVar (database versions not stated): gnomAD exomes below 0.00001 and 0.00001; ExAC 0.00001; gnomAD 0.00003.

Submissions (3):

GeneDx
Classification: Pathogenic. Last evaluated: 2025-07-11. Review status: criteria provided, single submitter. Criteria: GeneDx Variant Classification Process June 2021. Collection method: clinical testing. Allele origin: germline. Affected: yes.
Comment: Has not been previously published as pathogenic or benign to our knowledge; Frameshift variant predicted to result in protein truncation or nonsense mediated decay in a gene for which loss of function is a known mechanism of disease; Not observed at significant frequency in large population cohorts (gnomAD)

Fulgent Genetics
Classification: Likely pathogenic for Amyotrophic lateral sclerosis type 5; Hereditary spastic paraplegia 11; Charcot-Marie-Tooth disease axonal type 2X. Last evaluated: 2024-04-24. Review status: criteria provided, single submitter. Criteria: ACMG Guidelines, 2015. Collection method: clinical testing. Allele origin: germline.

Labcorp Genetics (formerly Invitae), Labcorp
Classification: Pathogenic for Hereditary spastic paraplegia 11. Last evaluated: 2023-06-19. Review status: criteria provided, single submitter. Criteria: Invitae Variant Classification Sherloc (09022015). Collection method: clinical testing. Allele origin: germline.
Comment: For these reasons, this variant has been classified as Pathogenic. ClinVar contains an entry for this variant (Variation ID: 424269). This variant has not been reported in the literature in individuals affected with SPG11-related conditions. This variant is present in population databases (rs756103019, gnomAD 0.002%). This sequence change creates a premature translational stop signal (p.Thr206Asnfs*13) in the SPG11 gene. It is expected to result in an absent or disrupted protein product. Loss-of-function variants in SPG11 are known to be pathogenic (PMID: 19105190, 20110243, 22154821, 26556829).

Literature cited by the submitters: PubMed 19105190 (cited by Labcorp Genetics (formerly Invitae), Labcorp); PubMed 20110243 (cited by Labcorp Genetics (formerly Invitae), Labcorp); PubMed 22154821 (cited by Labcorp Genetics (formerly Invitae), Labcorp); PubMed 26556829 (cited by Labcorp Genetics (formerly Invitae), Labcorp).

NM_025137.4(SPG11):c.616dup (p.Thr206fs)

Gene: SPG11 (SPG11 vesicle trafficking associated, spatacsin; minus strand). Cytogenetic location: 15q21.1.
Variant type: Duplication.
Coding change: c.616dup on transcript NM_025137.4 (MANE Select); coding-DNA position 616, one base duplicated (A; older notation c.616dupA).
Protein change: p.Thr206fs; shifts the reading frame from threonine 206.
Molecular consequence: frameshift variant.
Genome position (GRCh38, 1-based): chr15:44,659,130, T duplicated on the plus strand (A on the coding strand, the reverse complement: SPG11 is on the minus strand). VCF-style (leftmost placement, unchanged base first): chr15-44659129-G-GT. GRCh37 (hg19) VCF-style: chr15-44951327-G-GT.
Other names: c.616dup, p.Thr206fs (NM_001160227.2); c.616dup (NM_025137.3); c.616dupA (NM_025137.3); short protein forms T206fs.
Identifiers: ClinVar variation 424269 (VCV000424269.8), dbSNP rs756103019, ClinGen allele CA7535788.